The following is an entry in ClinVar:

ClinVar aggregate classification (germline): Uncertain significance (1 of 4 stars; one submission).

Conditions:
Hereditary cancer-predisposing syndrome. Also called: Neoplastic Syndromes, Hereditary; Tumor predisposition; Hereditary neoplastic syndrome; Hereditary Cancer Syndrome. Identifiers: Orphanet 140162, MedGen C0027672, MeSH D009386, MONDO:0015356.

Submission:

Ambry Genetics
Classification: Uncertain significance for Hereditary cancer-predisposing syndrome. Last evaluated: 2026-07-08. Review status: criteria provided, single submitter. Criteria: Ambry Variant Classification Scheme 2023. Collection method: clinical testing. Allele origin: germline.
Comment: The c.1716+4G>A intronic variant results from a G to A substitution 4 nucleotides after coding exon 15 in the TSC2 gene. This nucleotide position is not well conserved in available vertebrate species. In silico splice site analysis predicts that this alteration will not have any significant effect on splicing. Based on the available evidence, the clinical significance of this variant remains unclear.

NM_000548.5(TSC2):c.1716+4G>A

Gene: TSC2 (TSC complex subunit 2; plus strand). Cytogenetic location: 16p13.3.
Variant type: single nucleotide variant.
Coding change: c.1716+4G>A on transcript NM_000548.5 (MANE Select); 4 bases into the intron after coding-DNA position 1716, G replaced by A.
Molecular consequence: intron variant.
Genome position (GRCh38, 1-based): chr16:2,065,639, G>A. VCF-style: chr16-2065639-G-A. GRCh37 (hg19) VCF-style: chr16-2115640-G-A.
Other names: c.372+4G>A (NM_001406693.1, NM_001406689.1, NM_001406690.1 and 6 more transcripts); c.1806+4G>A (NM_001406667.1, NM_001406668.1); c.1116+4G>A (NM_001406680.1, NM_001406683.1, NM_001406687.1 and 6 more transcripts); c.114+4G>A (NM_001406698.1); c.1716+4G>A (NM_001114382.3, NM_001406663.1, NM_001406664.1 and 6 more transcripts); c.1704+4G>A (NM_001406671.1, NM_001406673.1); c.1254+4G>A (NM_001406681.1); c.1605+4G>A (NM_001406670.1, NM_001318827.2, NM_001406678.1); and 3 more.
Identifiers: ClinVar variation 5031356 (VCV005031356.1).